The following is an entry in ClinVar:

ClinVar aggregate classification (germline): Likely benign. Review status: criteria provided, multiple submitters, no conflicts (2 of 4 stars). 2 submissions from 2 submitters: Likely benign (2). Last evaluated 2025-10-21.

gnomAD v4.1: 152 of 1,548,986 alleles (0.0098%); highest among the groups gnomAD compares: Admixed American, 0.021%; no homozygotes.

Submissions (2):

Quest Diagnostics Nichols Institute San Juan Capistrano
Classification: Likely benign. Last evaluated: 2025-10-21. Review status: criteria provided, single submitter. Criteria: Quest Diagnostics criteria. Collection method: clinical testing. Allele origin: unknown.

Women's Health and Genetics/Laboratory Corporation of America, LabCorp
Classification: Likely benign. Last evaluated: 2024-11-19. Review status: criteria provided, single submitter. Criteria: LabCorp Variant Classification Summary - May 2015. Collection method: clinical testing. Allele origin: germline.
Comment: Variant summary: VWF c.1770C>G alters a non-conserved nucleotide resulting in a synonymous change. Consensus agreement among computation tools predict no significant impact on normal splicing. However, these predictions have yet to be confirmed by functional studies. The variant allele was found at a frequency of 5.3e-05 in 149954 control chromosomes (gnomAD). The available data on variant occurrences in the general population are insufficient to allow any conclusion about variant significance. To our knowledge, no occurrence of c.1770C>G in individuals affected with Von Willebrand Disease and no experimental evidence demonstrating its impact on protein function have been reported. No submitters have cited clinical-significance assessments for this variant to ClinVar. Based on the evidence outlined above, the variant was classified as likely benign.

NM_000552.5(VWF):c.1770C>G (p.Pro590=)

Gene: VWF (von Willebrand factor; minus strand). Cytogenetic location: 12p13.31.
Variant type: single nucleotide variant.
Coding change: c.1770C>G on transcript NM_000552.5 (MANE Select); coding-DNA position 1770, C replaced by G.
Protein change: p.Pro590=; no amino-acid change (proline 590 retained).
Molecular consequence: synonymous variant.
Genome position (GRCh38, 1-based): chr12:6,057,032, G>C on the plus strand (C>G on the coding strand, the complement: VWF is on the minus strand). VCF-style: chr12-6057032-G-C. GRCh37 (hg19) VCF-style: chr12-6166198-G-C.
Other names: c.1770C>G (NM_000552.4).
Identifiers: ClinVar variation 3630001 (VCV003630001.2).